The following is an entry in ClinVar:

ClinVar aggregate classification (germline): Pathogenic. Review status: criteria provided, multiple submitters, no conflicts (2 of 4 stars). 2 submissions from 2 submitters: Pathogenic (2). Last evaluated 2024-01-01.

Conditions:
Microcephaly-intellectual disability-sensorineural hearing loss-epilepsy-abnormal muscle tone syndrome (NEDHSB). Also called: NEURODEVELOPMENTAL DISORDER WITH HEARING LOSS, SEIZURES, AND BRAIN ABNORMALITIES. Identifiers: Orphanet 457351, MedGen C4225276, MONDO:0014698, OMIM 616577.

Allele frequency attached by ClinVar (database versions not stated): ExAC 0.00001; TOPMed 0.00002.
gnomAD v4.1: 5 of 1,613,118 alleles (0.00031%); highest among the groups gnomAD compares: African/African-American, 0.0013%; no homozygotes.

Submissions (2):

Labcorp Genetics (formerly Invitae), Labcorp
Classification: Pathogenic for Microcephaly-intellectual disability-sensorineural hearing loss-epilepsy-abnormal muscle tone syndrome. Last evaluated: 2024-01-01. Review status: criteria provided, single submitter. Criteria: Invitae Variant Classification Sherloc (09022015). Collection method: clinical testing. Allele origin: germline.
Comment: This sequence change creates a premature translational stop signal (p.Arg84*) in the SPATA5 gene. It is expected to result in an absent or disrupted protein product. Loss-of-function variants in SPATA5 are known to be pathogenic (PMID: 26299366). This variant is present in population databases (rs773729755, gnomAD 0.003%). This premature translational stop signal has been observed in individual(s) with epilepsy and developmental delay (PMID: 29343804). It has also been observed to segregate with disease in related individuals. ClinVar contains an entry for this variant (Variation ID: 844710). Algorithms developed to predict the effect of sequence changes on RNA splicing suggest that this variant may disrupt the consensus splice site. For these reasons, this variant has been classified as Pathogenic.

GeneDx
Classification: Pathogenic. Last evaluated: 2023-12-11. Review status: criteria provided, single submitter. Criteria: GeneDx Variant Classification Process June 2021. Collection method: clinical testing. Allele origin: germline. Affected: yes.
Comment: Nonsense variant predicted to result in protein truncation or nonsense mediated decay in a gene for which loss of function is a known mechanism of disease; Not observed at significant frequency in large population cohorts (gnomAD); This variant is associated with the following publications: (PMID: 2934804, 29343804)

Literature cited by the submitters: PubMed 26299366 (cited by Labcorp Genetics (formerly Invitae), Labcorp); PubMed 29343804 (cited by Labcorp Genetics (formerly Invitae), Labcorp).

NM_145207.3(AFG2A):c.250C>T (p.Arg84Ter)

Gene: AFG2A (AAA ATPase AFG2A; plus strand). Cytogenetic location: 4q28.1.
Variant type: single nucleotide variant.
Coding change: c.250C>T on transcript NM_145207.3 (MANE Select); coding-DNA position 250, C replaced by T.
Protein change: p.Arg84Ter; replaces arginine 84 with a stop codon.
Molecular consequence: nonsense.
Genome position (GRCh38, 1-based): chr4:122,927,720, C>T. VCF-style: chr4-122927720-C-T. GRCh37 (hg19) VCF-style: chr4-123848875-C-T.
Other names: c.247C>T, p.Arg83Ter (NM_001317799.2, NM_001345856.2); short protein forms R83*, R84*.
Identifiers: ClinVar variation 844710 (VCV000844710.9), dbSNP rs773729755, ClinGen allele CA3070167.